The following is an entry in ClinVar:

NM_018012.4(KIF26B):c.5196C>T (p.Ile1732=)

Gene: KIF26B (kinesin family member 26B; plus strand). Cytogenetic location: 1q44.
Variant type: single nucleotide variant.
Coding change: c.5196C>T on transcript NM_018012.4 (MANE Select); coding-DNA position 5196, C replaced by T.
Protein change: p.Ile1732=; no amino-acid change (isoleucine 1732 retained).
Molecular consequence: synonymous variant.
Genome position (GRCh38, 1-based): chr1:245,688,179, C>T. VCF-style: chr1-245688179-C-T. GRCh37 (hg19) VCF-style: chr1-245851481-C-T.
Identifiers: ClinVar variation 2640233 (VCV002640233.24), dbSNP rs1160385306, ClinGen allele CA424405322.

ClinVar aggregate classification (germline): Likely benign (1 of 4 stars; one submission).

Allele frequency attached by ClinVar (database versions not stated): gnomAD 0.00002; TOPMed 0.00002; gnomAD exomes 0.00004.
gnomAD v4.1: 62 of 1,597,888 alleles (0.0039%); highest among the groups gnomAD compares: Non-Finnish European, 0.005%; no homozygotes.

Submission:

CeGaT Center for Human Genetics Tuebingen
Classification: Likely benign. Last evaluated: 2022-05-01. Review status: criteria provided, single submitter. Criteria: CeGaT Center For Human Genetics Tuebingen Variant Classification Criteria Version 2. Collection method: clinical testing. Allele origin: germline. Affected: yes. Observed: 1 variant allele.
Comment: KIF26B: BP4, BP7